The following is an entry in ClinVar:

ClinVar aggregate classification (germline): Likely pathogenic (1 of 4 stars; one submission).

Conditions:
Neuropathy, congenital hypomyelinating, 3. Identifiers: MedGen C4748608, MONDO:0020766, OMIM 618186.

Submission:

Women's Health and Genetics/Laboratory Corporation of America, LabCorp
Classification: Likely pathogenic for Neuropathy, congenital hypomyelinating, 3. Last evaluated: 2025-02-03. Review status: criteria provided, single submitter. Criteria: LabCorp Variant Classification Summary - May 2015. Collection method: clinical testing. Allele origin: germline.
Comment: Variant summary: The variant involves the duplication of exon 8 in the CNTNAP1 gene. It is assumed to be a tandem duplication in direct orientation (PMIDs: 25640679, 30054569). This Copy Number Variant (CNV) is expected to alter the reading frame and predicted to result in a truncation or absence of the encoded protein due to nonsense mediated decay (NMD). A presumed nomenclature of c.(1044+1_1045-1)_(1306+1_1307-1)dup has been designated for the purposes of this classification. The variant was absent in 21694 control chromosomes. To our knowledge, no occurrence of c.(1044+1_1045-1)_(1306+1_1307-1)dup in individuals affected with Neuropathy, congenital hypomyelinating, 3 and no experimental evidence demonstrating its impact on protein function have been reported. No submitters have cited clinical-significance assessments for this variant to ClinVar. Based on the evidence outlined above, the variant was classified as likely pathogenic.

NC_000017.10:g.(40839065_40839737)_(40840000_40840479)dup

Gene: CNTNAP1 (contactin associated protein 1; plus strand). Cytogenetic location: 17q21.2.
Variant type: Duplication.
Identifiers: ClinVar variation 3768803 (VCV003768803.1).